The following is an entry in ClinVar:

ClinVar aggregate classification (germline): Uncertain significance. Review status: criteria provided, multiple submitters, no conflicts (2 of 4 stars). 2 submissions from 2 submitters: Uncertain significance (2). Last evaluated 2025-03-31.

Conditions:
Familial adenomatous polyposis 1 (FAP1). Also called: POLYPOSIS, ADENOMATOUS INTESTINAL; FAMILIAL ADENOMATOUS POLYPOSIS 1, ATTENUATED. Identifiers: MedGen C2713442, MONDO:0021056, OMIM 175100. Disease mechanism: loss of function.
Hereditary cancer-predisposing syndrome. Also called: Neoplastic Syndromes, Hereditary; Tumor predisposition; Hereditary neoplastic syndrome; Hereditary Cancer Syndrome. Identifiers: Orphanet 140162, MedGen C0027672, MeSH D009386, MONDO:0015356.

Submissions (2):

Labcorp Genetics (formerly Invitae), Labcorp
Classification: Uncertain significance for Familial adenomatous polyposis 1. Last evaluated: 2025-03-31. Review status: criteria provided, single submitter. Criteria: Invitae Variant Classification Sherloc (09022015). Collection method: clinical testing. Allele origin: germline.
Comment: This sequence change replaces serine, which is neutral and polar, with phenylalanine, which is neutral and non-polar, at codon 1971 of the APC protein (p.Ser1971Phe). This variant is not present in population databases (gnomAD no frequency). This variant has not been reported in the literature in individuals affected with APC-related conditions. ClinVar contains an entry for this variant (Variation ID: 826054). Invitae Evidence Modeling of protein sequence and biophysical properties (such as structural, functional, and spatial information, amino acid conservation, physicochemical variation, residue mobility, and thermodynamic stability) indicates that this missense variant is not expected to disrupt APC protein function with a negative predictive value of 95%. In summary, the available evidence is currently insufficient to determine the role of this variant in disease. Therefore, it has been classified as a Variant of Uncertain Significance.

Ambry Genetics
Classification: Uncertain significance for Hereditary cancer-predisposing syndrome. Last evaluated: 2019-01-29. Review status: criteria provided, single submitter. Criteria: Ambry Variant Classification Scheme 2023. Collection method: clinical testing. Allele origin: germline.
Comment: The p.S1971F variant (also known as c.5912C>T), located in coding exon 15 of the APC gene, results from a C to T substitution at nucleotide position 5912. The serine at codon 1971 is replaced by phenylalanine, an amino acid with highly dissimilar properties. This amino acid position is highly conserved in available vertebrate species. In addition, in silico predictors for this gene do not accurately predict pathogenicity. Since supporting evidence is limited at this time, the clinical significance of this alteration remains unclear.

NM_000038.6(APC):c.5912C>T (p.Ser1971Phe)

Gene: APC (APC regulator of Wnt signaling pathway; plus strand). Cytogenetic location: 5q22.2.
Variant type: single nucleotide variant.
Coding change: c.5912C>T on transcript NM_000038.6 (MANE Select); coding-DNA position 5912, C replaced by T.
Protein change: p.Ser1971Phe; replaces serine 1971 with phenylalanine.
Molecular consequence: missense variant.
Genome position (GRCh38, 1-based): chr5:112,841,506, C>T. VCF-style: chr5-112841506-C-T. GRCh37 (hg19) VCF-style: chr5-112177203-C-T.
Other names: c.5912C>T, p.Ser1971Phe (NM_001127510.3, NM_001354895.2); c.5858C>T, p.Ser1953Phe (NM_001127511.3); c.5966C>T, p.Ser1989Phe (NM_001354896.2); c.5942C>T, p.Ser1981Phe (NM_001354897.2); c.5837C>T, p.Ser1946Phe (NM_001354898.2); c.5828C>T, p.Ser1943Phe (NM_001354899.2); c.5789C>T, p.Ser1930Phe (NM_001354900.2); c.5735C>T, p.Ser1912Phe (NM_001354901.2); and 5 more; short protein forms S1845F, S1880F, S1912F, S1971F, S1688F, S1811F, S1943F, S1953F.
Identifiers: ClinVar variation 826054 (VCV000826054.10), dbSNP rs754691867, ClinGen allele CA16034266.